The following is an entry in ClinVar:

NM_001631.5(ALPI):c.1183+59T>C

Gene: ALPI (alkaline phosphatase, intestinal; plus strand). Cytogenetic location: 2q37.1.
Variant type: single nucleotide variant.
Coding change: c.1183+59T>C on transcript NM_001631.5 (MANE Select); 59 bases into the intron after coding-DNA position 1183, T replaced by C.
Molecular consequence: intron variant.
Genome position (GRCh38, 1-based): chr2:232,458,467, T>C. VCF-style: chr2-232458467-T-C. GRCh37 (hg19) VCF-style: chr2-233323177-T-C.
Identifiers: ClinVar variation 2687939 (VCV002687939.2), dbSNP rs2003780, ClinGen allele CA11049010.
Genomic context (GRCh38, chr2:232,458,467, plus strand): 5'-CGGTAGGCCTGGGGAGAGTGGCAGGTGCTGCTGCATCAATTATGAGGGTGAAGTTTGAGC[T>C]TCAGTTTCCTCCTCTGTCAAAAGTGTGCAATGCTGGCACCAGCCCTATAGGGATCTTGTG-3'

ClinVar aggregate classification (germline): Benign (1 of 4 stars; one submission).

Allele frequency attached by ClinVar (database versions not stated): gnomAD exomes 0.62176; gnomAD 0.64388; TOPMed 0.64515; 1000 Genomes Project 30x 0.67645; 1000 Genomes Project 0.67812.

Submission:

Unidad de Genómica Garrahan, Hospital de Pediatría Garrahan
Classification: Benign. Last evaluated: 2024-01-24. Review status: criteria provided, single submitter. Criteria: ACMG Guidelines, 2015. Collection method: clinical testing. Allele origin: germline. Affected: no. Observed: 87 variant alleles.
Comment: This variant is classified as Benign based on local population frequency. This variant was detected in 92% of patients studied by a panel of primary immunodeficiencies. Number of patients: 87. Only high quality variants are reported.